The following is an entry in ClinVar:

ClinVar aggregate classification (germline): Uncertain significance (1 of 4 stars; one submission).

Conditions:
Inborn genetic diseases. Identifiers: MedGen C0950123, MeSH D030342.

Submission:

Ambry Genetics
Classification: Uncertain significance for Inborn genetic diseases. Last evaluated: 2025-03-06. Review status: criteria provided, single submitter. Criteria: Ambry Variant Classification Scheme 2023. Collection method: clinical testing. Allele origin: germline.
Comment: The c.62T>G (p.L21R) alteration is located in exon 3 (coding exon 1) of the KIF12 gene. This alteration results from a T to G substitution at nucleotide position 62, causing the leucine (L) at amino acid position 21 to be replaced by an arginine (R). This variant was not reported in population-based cohorts in the Genome Aggregation Database (gnomAD). This amino acid position is highly conserved in available vertebrate species. This alteration is predicted to be deleterious by in silico analysis. Based on insufficient or conflicting evidence, the clinical significance of this alteration remains unclear.

NM_001388308.1(KIF12):c.476T>G (p.Leu159Arg)

Gene: KIF12 (kinesin family member 12; minus strand). Cytogenetic location: 9q32.
Variant type: single nucleotide variant.
Coding change: c.476T>G on transcript NM_001388308.1 (MANE Select); coding-DNA position 476, T replaced by G.
Protein change: p.Leu159Arg; replaces leucine 159 with arginine.
Molecular consequence: missense variant.
Genome position (GRCh38, 1-based): chr9:114,097,641, A>C on the plus strand (T>G on the coding strand, the complement: KIF12 is on the minus strand). VCF-style: chr9-114097641-A-C. GRCh37 (hg19) VCF-style: chr9-116859921-A-C.
Other names: c.62T>G, p.Leu21Arg (NM_138424.2); short protein forms L159R, L21R.
Identifiers: ClinVar variation 3863869 (VCV003863869.1).
Genomic context (GRCh38, chr9:114,097,641, plus strand): 5'-TCTTTCTATTCCTCTCATTCCCTTACCTGCTCATTGTAGATCTCCAGATAAGAGGCGCGA[A>C]GGGTGACAGGGGCACCCAGGTGCTGCACGCGGTCCAACAGCCAGGCGAAGGTCCTCTGCA-3'
Protein context (NP_001375237.1, residues 149-169): RVQHLGAPVT[Leu159Arg]RASYLEIYNE